The following is an entry in ClinVar:

NC_000012.12:g.6125683C>T

Gene: VWF (von Willebrand factor; minus strand). Cytogenetic location: 12p13.31.
Variant type: single nucleotide variant.
Genome position: GRCh38 VCF-style: chr12-6125683-C-T. GRCh37 (hg19) VCF-style: chr12-6234849-C-T.
Identifiers: ClinVar variation 2920818 (VCV002920818.7), dbSNP rs115555910, ClinGen allele CA232323864.

ClinVar aggregate classification (germline): Benign. Review status: criteria provided, multiple submitters, no conflicts (2 of 4 stars). 2 submissions from 2 submitters: Benign (2). Last evaluated 2026-08-01.

Allele frequency attached by ClinVar (database versions not stated): gnomAD 0.01048; 1000 Genomes Project 30x 0.01171; 1000 Genomes Project 0.01178; TOPMed 0.01193.

Submissions (2):

CeGaT Center for Human Genetics Tuebingen
Classification: Benign. Last evaluated: 2026-08-01. Review status: criteria provided, single submitter. Criteria: CeGaT Center For Human Genetics Tuebingen Variant Classification Criteria Version 2. Collection method: clinical testing. Allele origin: germline. Affected: yes. Observed: 2 variant alleles.
Comment: VWF: BS1, BS2

ARUP Laboratories, Molecular Genetics and Genomics, ARUP Laboratories
Classification: Benign. Last evaluated: 2023-11-17. Review status: criteria provided, single submitter. Criteria: ARUP Molecular Germline Variant Investigation Process 2024. Collection method: clinical testing. Allele origin: germline.